The following is an entry in ClinVar:

NM_017617.5(NOTCH1):c.6137T>C (p.Val2046Ala)

Genes: NOTCH1 (notch receptor 1; minus strand), LOC126860794 (BRD4-independent group 4 enhancer GRCh37_chr9:139392592-139393791; plus strand). Cytogenetic location: 9q34.3.
Variant type: single nucleotide variant.
Coding change: c.6137T>C on transcript NM_017617.5 (MANE Select); coding-DNA position 6137, T replaced by C.
Protein change: p.Val2046Ala; replaces valine 2046 with alanine.
Molecular consequence: missense variant.
Genome position (GRCh38, 1-based): chr9:136,498,942, A>G on the plus strand (T>C on the coding strand, the complement: NOTCH1 is on the minus strand). VCF-style: chr9-136498942-A-G. GRCh37 (hg19) VCF-style: chr9-139393394-A-G.
Other names: short protein forms V2046A.
Identifiers: ClinVar variation 1314450 (VCV001314450.8), dbSNP rs1374171839, ClinGen allele CA375633913.

ClinVar aggregate classification (germline): Uncertain significance. Review status: criteria provided, multiple submitters, no conflicts (2 of 4 stars). 3 submissions from 3 submitters: Uncertain significance (3). Last evaluated 2024-08-16.

Conditions:
Adams-Oliver syndrome 5 (AOS5). Identifiers: Orphanet 974, MedGen C4014970, MONDO:0014459, OMIM 616028.
Familial thoracic aortic aneurysm and aortic dissection (TAAD). Also called: Thoracic aortic aneurysms and dissections. Identifiers: Orphanet 91387, MedGen C4707243, MONDO:0019625.

Allele frequency attached by ClinVar (database versions not stated): gnomAD exomes below 0.00001; TOPMed 0.00002.
gnomAD v4.1: 4 of 1,613,680 alleles (0.00025%); highest among the groups gnomAD compares: Non-Finnish European, 0.00025%; no homozygotes.

Submissions (3):

Labcorp Genetics (formerly Invitae), Labcorp
Classification: Uncertain significance for Adams-Oliver syndrome 5. Last evaluated: 2024-08-16. Review status: criteria provided, single submitter. Criteria: Invitae Variant Classification Sherloc (09022015). Collection method: clinical testing. Allele origin: germline.
Comment: This sequence change replaces valine, which is neutral and non-polar, with alanine, which is neutral and non-polar, at codon 2046 of the NOTCH1 protein (p.Val2046Ala). This variant is not present in population databases (gnomAD no frequency). This variant has not been reported in the literature in individuals affected with NOTCH1-related conditions. ClinVar contains an entry for this variant (Variation ID: 1314450). Invitae Evidence Modeling of protein sequence and biophysical properties (such as structural, functional, and spatial information, amino acid conservation, physicochemical variation, residue mobility, and thermodynamic stability) indicates that this missense variant is not expected to disrupt NOTCH1 protein function with a negative predictive value of 95%. In summary, the available evidence is currently insufficient to determine the role of this variant in disease. Therefore, it has been classified as a Variant of Uncertain Significance.

Ambry Genetics
Classification: Uncertain significance for Familial thoracic aortic aneurysm and aortic dissection. Last evaluated: 2022-07-08. Review status: criteria provided, single submitter. Criteria: Ambry Variant Classification Scheme 2023. Collection method: clinical testing. Allele origin: germline.
Comment: The p.V2046A variant (also known as c.6137T>C), located in coding exon 33 of the NOTCH1 gene, results from a T to C substitution at nucleotide position 6137. The valine at codon 2046 is replaced by alanine, an amino acid with similar properties. This amino acid position is conserved. In addition, this alteration is predicted to be tolerated by in silico analysis. Since supporting evidence is limited at this time, the clinical significance of this alteration remains unclear.

GeneDx
Classification: Uncertain significance. Last evaluated: 2022-03-04. Review status: criteria provided, single submitter. Criteria: GeneDx Variant Classification Process June 2021. Collection method: clinical testing. Allele origin: germline. Affected: yes.
Comment: Has not been previously published as pathogenic or benign to our knowledge; Not observed in large population cohorts (gnomAD); In silico analysis supports that this missense variant does not alter protein structure/function